The following is an entry in ClinVar:

ClinVar aggregate classification (germline): Uncertain significance (1 of 4 stars; one submission).

Conditions:
Autosomal recessive ataxia, Beauce type. Also called: ATAXIA, RECESSIVE, OF BEAUCE; Spinocerebellar ataxia, autosomal recessive 8; SYNE1-Related Autosomal Recessive Cerebellar Ataxia; SYNE1 Deficiency. Identifiers: Orphanet 88644, MedGen C1853116, MONDO:0012549, OMIM 610743.
Emery-Dreifuss muscular dystrophy 4, autosomal dominant (EDMD4). Also called: EMERY-DREIFUSS MUSCULAR DYSTROPHY 4 WITH VARIABLE FEATURES. Identifiers: Orphanet 261, MedGen C2751807, MONDO:0013071, OMIM 612998.

Allele frequency attached by ClinVar (database versions not stated): gnomAD exomes below 0.00001.
gnomAD v4.1: 3 of 1,614,136 alleles (0.00019%); highest among the groups gnomAD compares: Non-Finnish European, 0.00025%; no homozygotes.

Submission:

Labcorp Genetics (formerly Invitae), Labcorp
Classification: Uncertain significance for Emery-Dreifuss muscular dystrophy 4, autosomal dominant; Autosomal recessive ataxia, Beauce type. Last evaluated: 2022-06-13. Review status: criteria provided, single submitter. Criteria: Invitae Variant Classification Sherloc (09022015). Collection method: clinical testing. Allele origin: germline.
Comment: In summary, the available evidence is currently insufficient to determine the role of this variant in disease. Therefore, it has been classified as a Variant of Uncertain Significance. Algorithms developed to predict the effect of missense changes on protein structure and function (SIFT, PolyPhen-2, Align-GVGD) all suggest that this variant is likely to be tolerated. ClinVar contains an entry for this variant (Variation ID: 1012034). This variant has not been reported in the literature in individuals affected with SYNE1-related conditions. This variant is not present in population databases (gnomAD no frequency). This sequence change replaces alanine, which is neutral and non-polar, with glutamic acid, which is acidic and polar, at codon 5582 of the SYNE1 protein (p.Ala5582Glu).

NM_182961.4(SYNE1):c.16958C>A (p.Ala5653Glu)

Genes: SYNE1 (spectrin repeat containing nuclear envelope protein 1; minus strand), LOC126859837 (BRD4-independent group 4 enhancer GRCh37_chr6:152630775-152631974; plus strand). Cytogenetic location: 6q25.2.
Variant type: single nucleotide variant.
Coding change: c.16958C>A on transcript NM_182961.4 (MANE Select); coding-DNA position 16958, C replaced by A.
Protein change: p.Ala5653Glu; replaces alanine 5653 with glutamic acid.
Molecular consequence: missense variant.
Genome position (GRCh38, 1-based): chr6:152,310,457, G>T on the plus strand (C>A on the coding strand, the complement: SYNE1 is on the minus strand). VCF-style: chr6-152310457-G-T. GRCh37 (hg19) VCF-style: chr6-152631592-G-T.
Other names: c.16745C>A, p.Ala5582Glu (NM_033071.5); short protein forms A5582E, A5653E.
Identifiers: ClinVar variation 1012034 (VCV001012034.9), dbSNP rs776905124, ClinGen allele CA366107442.